The following is an entry in ClinVar:

NM_006231.4(POLE):c.2067G>C (p.Gln689His)

Gene: POLE (DNA polymerase epsilon, catalytic subunit; minus strand). Cytogenetic location: 12q24.33.
Variant type: single nucleotide variant.
Coding change: c.2067G>C on transcript NM_006231.4 (MANE Select); coding-DNA position 2067, G replaced by C.
Protein change: p.Gln689His; replaces glutamine 689 with histidine.
Molecular consequence: missense variant.
Genome position (GRCh38, 1-based): chr12:132,668,462, C>G on the plus strand (G>C on the coding strand, the complement: POLE is on the minus strand). VCF-style: chr12-132668462-C-G. GRCh37 (hg19) VCF-style: chr12-133245048-C-G.
Other names: short protein forms Q689H.
Identifiers: ClinVar variation 4740271 (VCV004740271.1).
Genomic context (GRCh38, chr12:132,668,462, plus strand): 5'-TTCATGAAAGGCCCGAGCTGGCCCCTCTGGGAACAAGGGGGGGAACTTCTCTGACTCCAG[C>G]TGGTGCTGGATCCGATGGTATTCGCTGCGACTGGCTGGCACTGGGAAGGAGGCAATGGGG-3'
Protein context (NP_006222.2, residues 679-699): SRSEYHRIQH[Gln689His]LESEKFPPLF

ClinVar aggregate classification (germline): Uncertain significance (1 of 4 stars; one submission).

Submission:

Labcorp Genetics (formerly Invitae), Labcorp
Classification: Uncertain significance. Last evaluated: 2025-09-28. Review status: criteria provided, single submitter. Criteria: Invitae Variant Classification Sherloc (09022015). Collection method: clinical testing. Allele origin: germline.
Comment: This sequence change replaces glutamine, which is neutral and polar, with histidine, which is basic and polar, at codon 689 of the POLE protein (p.Gln689His). This variant is not present in population databases (gnomAD no frequency). This variant has not been reported in the literature in individuals affected with POLE-related conditions. Invitae Evidence Modeling of protein sequence and biophysical properties (such as structural, functional, and spatial information, amino acid conservation, physicochemical variation, residue mobility, and thermodynamic stability) indicates that this missense variant is expected to disrupt POLE protein function with a positive predictive value of 80%. In summary, the available evidence is currently insufficient to determine the role of this variant in disease. Therefore, it has been classified as a Variant of Uncertain Significance.